The following is an entry in ClinVar:

NM_004656.4(BAP1):c.1544del (p.Asn515fs)

Gene: BAP1 (BRCA1 associated deubiquitinase 1; minus strand). Cytogenetic location: 3p21.1.
Variant type: Deletion.
Coding change: c.1544del on transcript NM_004656.4 (MANE Select); coding-DNA position 1544, one base deleted (A; older notation c.1544delA).
Protein change: p.Asn515fs; shifts the reading frame from asparagine 515.
Molecular consequence: frameshift variant.
Genome position (GRCh38, 1-based): chr3:52,403,601, T deleted on the plus strand (A on the coding strand, the reverse complement: BAP1 is on the minus strand); the first of 2 consecutive T bases (chr3:52,403,601-52,403,602); deleting either gives the same sequence. VCF-style (leftmost placement, unchanged base first): chr3-52403600-GT-G. GRCh37 (hg19) VCF-style: chr3-52437616-GT-G.
Other names: short protein forms N515fs.
Identifiers: ClinVar variation 1443121 (VCV001443121.6), dbSNP rs2153226675, ClinGen allele CA2573137325.

ClinVar aggregate classification (germline): Pathogenic (1 of 4 stars; one submission).

Conditions:
BAP1-related tumor predisposition syndrome (TPDS1). Also called: BAP1 tumor predisposition syndrome; COMMON Syndrome; TUMOR PREDISPOSITION SYNDROME 1; Tumor susceptibility linked to germline BAP1 mutations. Identifiers: Orphanet 289539, MedGen C3280492, MONDO:0013692, OMIM 614327.

Submission:

Labcorp Genetics (formerly Invitae), Labcorp
Classification: Pathogenic for BAP1-related tumor predisposition syndrome. Last evaluated: 2021-08-31. Review status: criteria provided, single submitter. Criteria: Invitae Variant Classification Sherloc (09022015). Collection method: clinical testing. Allele origin: germline.
Comment: This sequence change creates a premature translational stop signal (p.Asn515Thrfs*56) in the BAP1 gene. It is expected to result in an absent or disrupted protein product. Loss-of-function variants in BAP1 are known to be pathogenic (PMID: 21874000, 23684012). This variant is not present in population databases (ExAC no frequency). This variant has not been reported in the literature in individuals affected with BAP1-related conditions. For these reasons, this variant has been classified as Pathogenic.

Literature cited by the submitters: PubMed 21874000; PubMed 23684012.